The following is an entry in ClinVar:

NM_181523.3(PIK3R1):c.2020A>C (p.Lys674Gln)

Gene: PIK3R1 (phosphoinositide-3-kinase regulatory subunit 1; plus strand). Cytogenetic location: 5q13.1.
Variant type: single nucleotide variant.
Coding change: c.2020A>C on transcript NM_181523.3 (MANE Select); coding-DNA position 2020, A replaced by C.
Protein change: p.Lys674Gln; replaces lysine 674 with glutamine.
Molecular consequence: missense variant.
Genome position (GRCh38, 1-based): chr5:68,297,446, A>C. VCF-style: chr5-68297446-A-C. GRCh37 (hg19) VCF-style: chr5-67593274-A-C.
Other names: c.931A>C, p.Lys311Gln (NM_001242466.2); c.1210A>C, p.Lys404Gln (NM_181504.4); c.1120A>C, p.Lys374Gln (NM_181524.2); short protein forms K311Q, K374Q, K404Q, K674Q.
Identifiers: ClinVar variation 2631508 (VCV002631508.2), dbSNP rs1747785846, ClinGen allele CA359885199.
Genomic context (GRCh38, chr5:68,297,446, plus strand): 5'-GACAGTTTTTCTTCTCTCCTCTCTAGGGTGGACGGCGAAGTAAAGCATTGTGTCATAAAC[A>C]AAACAGCAACTGGCTATGGCTTTGCCGAGCCCTATAACTTGTACAGCTCTCTGAAAGAAC-3'
Protein context (NP_852664.1, residues 664-684): DGEVKHCVIN[Lys674Gln]TATGYGFAEP

ClinVar aggregate classification (germline): Uncertain significance (1 of 4 stars; one submission).

Conditions:
PIK3R1-related disorder. Also called: PIK3R1-related condition.

Allele frequency attached by ClinVar (database versions not stated): gnomAD exomes below 0.00001; TOPMed below 0.00001.
gnomAD v4.1: 2 of 1,614,054 alleles (0.00012%); highest among the groups gnomAD compares: African/African-American, 0.0013%; no homozygotes.

Submission:

PreventionGenetics, part of Exact Sciences
Classification: Uncertain significance for PIK3R1-related condition. Last evaluated: 2025-12-08. Review status: criteria provided, single submitter. Criteria: ACMG Guidelines, 2015. Collection method: clinical testing. Allele origin: germline.
Comment: The PIK3R1 c.2020A>C variant is predicted to result in the amino acid substitution p.Lys674Gln. To our knowledge, this variant has not been reported in the literature or in a large population database (gnomAD), indicating this variant is rare. At this time, the clinical significance of this variant is uncertain due to the absence of conclusive functional and genetic evidence.